The following is an entry in ClinVar:

NM_000431.4(MVK):c.280G>A (p.Val94Ile)

Gene: MVK (mevalonate kinase; plus strand). Cytogenetic location: 12q24.11.
Variant type: single nucleotide variant.
Coding change: c.280G>A on transcript NM_000431.4 (MANE Select); coding-DNA position 280, G replaced by A.
Protein change: p.Val94Ile; replaces valine 94 with isoleucine.
Molecular consequence: missense variant. On other transcripts: 5 prime UTR variant (1), non-coding transcript variant (2).
Genome position (GRCh38, 1-based): chr12:109,579,855, G>A. VCF-style: chr12-109579855-G-A. GRCh37 (hg19) VCF-style: chr12-110017660-G-A.
Other names: c.280G>A, p.Val94Ile (NM_001114185.3, NM_001301182.2, NM_001414511.1 and 3 more transcripts); c.-303G>A (NM_001414515.1); short protein forms V94I.
Identifiers: ClinVar variation 3752349 (VCV003752349.2).

ClinVar aggregate classification (germline): Uncertain significance (1 of 4 stars; one submission).

Conditions:
Mevalonic aciduria (MEVA). Identifiers: Orphanet 29, MedGen C1959626, MONDO:0012481, OMIM 610377.
Hyperimmunoglobulin D with periodic fever (HIDS). Also called: Hyperimmunoglobulinemia D with periodic fever; HYPERIMMUNOGLOBULINEMIA D AND PERIODIC FEVER SYNDROME; Hyperimmunoglobulinemia D. Identifiers: Orphanet 343, MedGen C0398691, MONDO:0009849, OMIM 260920.
Porokeratosis 3, disseminated superficial actinic type (POROK3). Also called: POROKERATOSIS, DISSEMINATED SUPERFICIAL ACTINIC, 1; POROKERATOSIS 3, MULTIPLE TYPES; POROKERATOSIS 3, MIBELLI TYPE. Identifiers: MedGen C1867981, MONDO:0008293, OMIM 175900.

Submission:

Labcorp Genetics (formerly Invitae), Labcorp
Classification: Uncertain significance for Mevalonic aciduria; Hyperimmunoglobulin D with periodic fever; Porokeratosis 3, disseminated superficial actinic type. Last evaluated: 2024-04-18. Review status: criteria provided, single submitter. Criteria: Invitae Variant Classification Sherloc (09022015). Collection method: clinical testing. Allele origin: germline.
Comment: This sequence change replaces valine, which is neutral and non-polar, with isoleucine, which is neutral and non-polar, at codon 94 of the MVK protein (p.Val94Ile). This variant is not present in population databases (gnomAD no frequency). This variant has not been reported in the literature in individuals affected with MVK-related conditions. Advanced modeling of protein sequence and biophysical properties (such as structural, functional, and spatial information, amino acid conservation, physicochemical variation, residue mobility, and thermodynamic stability) performed at Invitae indicates that this missense variant is not expected to disrupt MVK protein function with a negative predictive value of 95%. In summary, the available evidence is currently insufficient to determine the role of this variant in disease. Therefore, it has been classified as a Variant of Uncertain Significance.